The following is an entry in ClinVar:

ClinVar aggregate classification (germline): Uncertain significance (1 of 4 stars; one submission).

Submission:

Labcorp Genetics (formerly Invitae), Labcorp
Classification: Uncertain significance. Last evaluated: 2025-06-11. Review status: criteria provided, single submitter. Criteria: Invitae Variant Classification Sherloc (09022015). Collection method: clinical testing. Allele origin: germline.
Comment: This sequence change replaces cysteine, which is neutral and slightly polar, with tryptophan, which is neutral and slightly polar, at codon 212 of the KLF10 protein (p.Cys212Trp). This variant is not present in population databases (gnomAD no frequency). This variant has not been reported in the literature in individuals affected with KLF10-related conditions. An algorithm developed to predict the effect of missense changes on protein structure and function (PolyPhen-2) suggests that this variant is likely to be tolerated. In summary, the available evidence is currently insufficient to determine the role of this variant in disease. Therefore, it has been classified as a Variant of Uncertain Significance.

NM_005655.4(KLF10):c.636T>G (p.Cys212Trp)

Gene: KLF10 (KLF transcription factor 10; minus strand). Cytogenetic location: 8q22.3.
Variant type: single nucleotide variant.
Coding change: c.636T>G on transcript NM_005655.4 (MANE Select); coding-DNA position 636, T replaced by G.
Protein change: p.Cys212Trp; replaces cysteine 212 with tryptophan.
Molecular consequence: missense variant.
Genome position (GRCh38, 1-based): chr8:102,651,696, A>C on the plus strand (T>G on the coding strand, the complement: KLF10 is on the minus strand). VCF-style: chr8-102651696-A-C. GRCh37 (hg19) VCF-style: chr8-103663924-A-C.
Other names: c.603T>G, p.Cys201Trp (NM_001032282.4); short protein forms C201W, C212W.
Identifiers: ClinVar variation 4770327 (VCV004770327.1).